The following is an entry in ClinVar:

ClinVar aggregate classification (germline): Benign/Likely benign. Review status: criteria provided, multiple submitters, no conflicts (2 of 4 stars). 4 submissions from 4 submitters: Benign (1); Likely benign (3). Last evaluated 2024-09-23.

Conditions:
Ataxia-telangiectasia syndrome (AT). Also called: Ataxia-telangiectasia, complementation group D; Ataxia-telangiectasia, complementation group E; LOUIS-BAR SYNDROME; AT, COMPLEMENTATION GROUP C; ATAXIA-TELANGIECTASIA, COMPLEMENTATION GROUP A; ATAXIA-TELANGIECTASIA, FRESNO VARIANT. Identifiers: Orphanet 100, MedGen C0004135, MONDO:0008840, OMIM 208900.
Hereditary cancer-predisposing syndrome. Also called: Neoplastic Syndromes, Hereditary; Hereditary neoplastic syndrome; Hereditary Cancer Syndrome; Tumor predisposition. Identifiers: Orphanet 140162, MedGen C0027672, MeSH D009386, MONDO:0015356.
Familial cancer of breast. Also called: hereditary breast carcinoma; Hereditary breast cancer; BREAST CANCER, FAMILIAL. Identifiers: Orphanet 227535, MedGen C0346153, MONDO:0016419, OMIM 114480. Disease mechanism: loss of function.

Allele frequency attached by ClinVar (database versions not stated): gnomAD exomes below 0.00001.
gnomAD v4.1: 2 of 1,613,422 alleles (0.00012%); highest among the groups gnomAD compares: East Asian, 0.0022%; no homozygotes.

Submissions (4):

Labcorp Genetics (formerly Invitae), Labcorp
Classification: Likely benign for Ataxia-telangiectasia syndrome. Last evaluated: 2024-09-23. Review status: criteria provided, single submitter. Criteria: Invitae Variant Classification Sherloc (09022015). Collection method: clinical testing. Allele origin: germline.

Ambry Genetics
Classification: Likely benign for Hereditary cancer-predisposing syndrome. Last evaluated: 2024-06-18. Review status: criteria provided, single submitter. Criteria: Ambry Variant Classification Scheme 2023. Collection method: clinical testing. Allele origin: germline.

Myriad Genetics, Inc.
Classification: Benign for Familial cancer of breast. Last evaluated: 2024-06-10. Review status: criteria provided, single submitter. Criteria: Myriad Autosomal Dominant, Autosomal Recessive and X-Linked Classification Criteria (2023). Collection method: clinical testing. Allele origin: unknown.
Comment: This variant is considered benign. This variant is a silent/synonymous amino acid change and it is not expected to impact splicing.

GeneDx
Classification: Likely benign. Last evaluated: 2016-01-12. Review status: criteria provided, single submitter. Criteria: GeneDx Variant Classification (06012015). Collection method: clinical testing. Allele origin: germline. Affected: yes.
Comment: This variant is considered likely benign or benign based on one or more of the following criteria: it is a conservative change, it occurs at a poorly conserved position in the protein, it is predicted to be benign by multiple in silico algorithms, and/or has population frequency not consistent with disease.

NM_000051.4(ATM):c.6753C>T (p.Leu2251=)

Genes: C11orf65 (chromosome 11 open reading frame 65; minus strand), ATM (ATM serine/threonine kinase; plus strand). Cytogenetic location: 11q22.3.
Variant type: single nucleotide variant.
Coding change: c.6753C>T on transcript NM_000051.4 (MANE Select); coding-DNA position 6753, C replaced by T.
Protein change: p.Leu2251=; no amino-acid change (leucine 2251 retained).
Molecular consequence: synonymous variant. On other transcripts: intron variant (2).
Genome position (GRCh38, 1-based): chr11:108,325,490, C>T. VCF-style: chr11-108325490-C-T. GRCh37 (hg19) VCF-style: chr11-108196217-C-T.
Other names: c.6753C>T, p.Leu2251= (NM_001351834.2); c.641-16419G>A (NM_001330368.2); c.*38+9730G>A (NM_001351110.2).
Identifiers: ClinVar variation 383075 (VCV000383075.10), dbSNP rs1057521515, ClinGen allele CA16605821.